The following is an entry in ClinVar:

NM_152564.5(VPS13B):c.8695C>T (p.His2899Tyr)

Gene: VPS13B (vacuolar protein sorting 13 homolog B; plus strand). Cytogenetic location: 8q22.2.
Variant type: single nucleotide variant.
Coding change: c.8695C>T on transcript NM_152564.5 (MANE Select); coding-DNA position 8695, C replaced by T.
Protein change: p.His2899Tyr; replaces histidine 2899 with tyrosine.
Molecular consequence: missense variant.
Genome position (GRCh38, 1-based): chr8:99,819,485, C>T. VCF-style: chr8-99819485-C-T. GRCh37 (hg19) VCF-style: chr8-100831713-C-T.
Other names: c.8770C>T (NM_017890.3); c.8770C>T, p.His2924Tyr (NM_017890.5); short protein forms H2899Y, H2924Y.
Identifiers: ClinVar variation 999059 (VCV000999059.8), dbSNP rs895271990, ClinGen allele CA182328681.

ClinVar aggregate classification (germline): Uncertain significance. Review status: criteria provided, multiple submitters, no conflicts (2 of 4 stars). 2 submissions from 2 submitters: Uncertain significance (2). Last evaluated 2025-08-21.

Conditions:
Cohen syndrome (COH1). Also called: PEPPER SYNDROME; Cutis verticis gyrata, retinitis pigmentosa, and sensorineural deafness. Identifiers: Orphanet 193, MedGen C0265223, MONDO:0008999, OMIM 216550.
Inborn genetic diseases. Identifiers: MedGen C0950123, MeSH D030342.

Allele frequency attached by ClinVar (database versions not stated): gnomAD exomes below 0.00001; gnomAD 0.00001; TOPMed 0.00001.
gnomAD v4.1: 4 of 1,613,764 alleles (0.00025%); highest among the groups gnomAD compares: South Asian, 0.0011%; no homozygotes.

Submissions (2):

Labcorp Genetics (formerly Invitae), Labcorp
Classification: Uncertain significance for Cohen syndrome. Last evaluated: 2025-08-21. Review status: criteria provided, single submitter. Criteria: Invitae Variant Classification Sherloc (09022015). Collection method: clinical testing. Allele origin: germline.
Comment: This sequence change replaces histidine, which is basic and polar, with tyrosine, which is neutral and polar, at codon 2924 of the VPS13B protein (p.His2924Tyr). This variant is present in population databases (no rsID available, gnomAD 0.0009%). This variant has not been reported in the literature in individuals affected with VPS13B-related conditions. ClinVar contains an entry for this variant (Variation ID: 999059). Invitae Evidence Modeling of protein sequence and biophysical properties (such as structural, functional, and spatial information, amino acid conservation, physicochemical variation, residue mobility, and thermodynamic stability) indicates that this missense variant is not expected to disrupt VPS13B protein function with a negative predictive value of 80%. In summary, the available evidence is currently insufficient to determine the role of this variant in disease. Therefore, it has been classified as a Variant of Uncertain Significance.

Ambry Genetics
Classification: Uncertain significance for Inborn genetic diseases. Last evaluated: 2025-07-08. Review status: criteria provided, single submitter. Criteria: Ambry Variant Classification Scheme 2023. Collection method: clinical testing. Allele origin: germline.